The following is an entry in ClinVar:

NM_000489.6(ATRX):c.1075C>G (p.Leu359Val)

Gene: ATRX (ATRX chromatin remodeler; minus strand). Cytogenetic location: Xq21.1.
Variant type: single nucleotide variant.
Coding change: c.1075C>G on transcript NM_000489.6 (MANE Select); coding-DNA position 1075, C replaced by G.
Protein change: p.Leu359Val; replaces leucine 359 with valine.
Molecular consequence: missense variant.
Genome position (GRCh38, 1-based): chrX:77,684,181, G>C on the plus strand (C>G on the coding strand, the complement: ATRX is on the minus strand). VCF-style: chrX-77684181-G-C. GRCh37 (hg19) VCF-style: chrX-76939673-G-C.
Other names: c.961C>G, p.Leu321Val (NM_138270.5); c.1075C>G (NM_000489.3); short protein forms L359V, L321V.
Identifiers: ClinVar variation 939467 (VCV000939467.12), dbSNP rs2071423786, ClinGen allele CA413719592.
Genomic context (GRCh38, chrX:77,684,181, plus strand): 5'-CTGTTGCCTGCTTTAAAAATTTAACATAACTGGAGTTCATGTTGGCTGTGGTCTCAATCA[G>C]TTTTTTTGCCTTCTTAATCATCTCTTTGGGCACAATTAGTGCGGAATAAGAGTAGGTTAC-3'
Protein context (NP_000480.3, residues 349-369): PKEMIKKAKK[Leu359Val]IETTANMNSS

ClinVar aggregate classification (germline): Uncertain significance. Review status: criteria provided, multiple submitters, no conflicts (2 of 4 stars). 3 submissions from 3 submitters: Uncertain significance (2). 1 of the submissions does not count toward it. Last evaluated 2026-04-23.

Conditions:
Alpha thalassemia-X-linked intellectual disability syndrome (ATRX). Also called: ALPHA-THALASSEMIA/MENTAL RETARDATION SYNDROME, X-LINKED; ATR, NONDELETION TYPE; ATR-X syndrome; Alpha thalassemia mental retardation syndrome, nondeletion type, X-linked; XLMR hypotonic face syndrome; X-linked alpha-thalassemia-mental retardation syndrome. Identifiers: Orphanet 847, MedGen C1845055, MONDO:0010519, OMIM 301040.

Allele frequency attached by ClinVar (database versions not stated): gnomAD exomes below 0.00001.
gnomAD v4.1: 2 of 1,210,169 alleles (0.00017%); highest among the groups gnomAD compares: Non-Finnish European, 0.00022%; no homozygotes.

Submissions (3):

GeneDx
Classification: Uncertain significance. Last evaluated: 2026-04-23. Review status: criteria provided, single submitter. Criteria: GeneDx Variant Classification Process June 2021. Collection method: clinical testing. Allele origin: germline.
Comment: Not observed at significant frequency in large population cohorts (gnomAD); In silico analysis suggests that this missense variant does not alter protein structure/function; Has not been previously published as pathogenic or benign to our knowledge

Labcorp Genetics (formerly Invitae), Labcorp
Classification: Uncertain significance for Alpha thalassemia-X-linked intellectual disability syndrome. Last evaluated: 2025-06-14. Review status: criteria provided, single submitter. Criteria: Invitae Variant Classification Sherloc (09022015). Collection method: clinical testing. Allele origin: germline.
Comment: This sequence change replaces leucine, which is neutral and non-polar, with valine, which is neutral and non-polar, at codon 359 of the ATRX protein (p.Leu359Val). This variant is not present in population databases (gnomAD no frequency). This variant has not been reported in the literature in individuals affected with ATRX-related conditions. ClinVar contains an entry for this variant (Variation ID: 939467). Invitae Evidence Modeling of protein sequence and biophysical properties (such as structural, functional, and spatial information, amino acid conservation, physicochemical variation, residue mobility, and thermodynamic stability) indicates that this missense variant is not expected to disrupt ATRX protein function with a negative predictive value of 95%. In summary, the available evidence is currently insufficient to determine the role of this variant in disease. Therefore, it has been classified as a Variant of Uncertain Significance.

Natera, Inc.
Classification: Uncertain significance for X-linked alpha-thalassemia-mental retardation syndrome. Last evaluated: 2021-05-06. Review status: no assertion criteria provided. Collection method: clinical testing. Allele origin: germline. Not counted in ClinVar's aggregate classification.